The following is an entry in ClinVar:

ClinVar aggregate classification (germline): Pathogenic (1 of 4 stars; one submission).

Conditions:
Familial infantile myasthenia (CMS6). Also called: MYASTHENIC SYNDROME, PRESYNAPTIC, CONGENITAL, ASSOCIATED WITH EPISODIC APNEA; MYASTHENIC SYNDROME, CONGENITAL, 6, PRESYNAPTIC; Congenital myasthenic syndrome type 6. Identifiers: Orphanet 590, MedGen C0393929, MONDO:0009689, OMIM 254210.

Submission:

Labcorp Genetics (formerly Invitae), Labcorp
Classification: Pathogenic for Familial infantile myasthenia. Last evaluated: 2022-08-05. Review status: criteria provided, single submitter. Criteria: Invitae Variant Classification Sherloc (09022015). Collection method: clinical testing. Allele origin: germline.
Comment: For these reasons, this variant has been classified as Pathogenic. This sequence change replaces alanine, which is neutral and non-polar, with threonine, which is neutral and polar, at codon 631 of the CHAT protein (p.Ala631Thr). This variant is not present in population databases (gnomAD no frequency). This missense change has been observed in individual(s) with clinical features of congenital myasthenic syndrome (PMID: 21786365; Invitae). In at least one individual the data is consistent with being in trans (on the opposite chromosome) from a pathogenic variant. Advanced modeling of protein sequence and biophysical properties (such as structural, functional, and spatial information, amino acid conservation, physicochemical variation, residue mobility, and thermodynamic stability) performed at Invitae indicates that this missense variant is expected to disrupt CHAT protein function. Experimental studies have shown that this missense change affects CHAT function (PMID: 21786365).

Literature cited by the submitters: PubMed 21786365.

NM_020549.5(CHAT):c.1891G>A (p.Ala631Thr)

Gene: CHAT (choline O-acetyltransferase; plus strand). Cytogenetic location: 10q11.23.
Variant type: single nucleotide variant.
Coding change: c.1891G>A on transcript NM_020549.5 (MANE Select); coding-DNA position 1891, G replaced by A.
Protein change: p.Ala631Thr; replaces alanine 631 with threonine.
Molecular consequence: missense variant.
Genome position (GRCh38, 1-based): chr10:49,662,696, G>A. VCF-style: chr10-49662696-G-A. GRCh37 (hg19) VCF-style: chr10-50870742-G-A.
Other names: c.1537G>A, p.Ala513Thr (NM_001142929.2, NM_001142934.2, NM_020984.4 and 2 more transcripts); c.1645G>A, p.Ala549Thr (NM_001142933.2); short protein forms A631T, A513T, A549T.
Identifiers: ClinVar variation 2136862 (VCV002136862.4), dbSNP rs2538892758, ClinGen allele CA376711497.